The following is an entry in ClinVar:

ClinVar aggregate classification (germline): Benign/Likely benign. Review status: criteria provided, multiple submitters, no conflicts (2 of 4 stars). 5 submissions from 5 submitters: Benign (1); Likely benign (3). 1 of the submissions does not count toward it. Last evaluated 2026-09-01.

Conditions:
TRIO-related disorder. Also called: TRIO-related condition; TRIO-related disorders.

Allele frequency attached by ClinVar (database versions not stated): ESP Exome Variant Server 0.00069; 1000 Genomes Project 0.00100; 1000 Genomes Project 30x 0.00125.
gnomAD v4.1: 1,376 of 1,613,906 alleles (0.085%); highest among the groups gnomAD compares: Non-Finnish European, 0.11%; 2 homozygotes.

Submissions (5):

CeGaT Center for Human Genetics Tuebingen
Classification: Likely benign. Last evaluated: 2026-09-01. Review status: criteria provided, single submitter. Criteria: CeGaT Center For Human Genetics Tuebingen Variant Classification Criteria Version 2. Collection method: clinical testing. Allele origin: germline. Affected: yes. Observed: 9 variant alleles.
Comment: TRIO: BP4, BP7, BS1

Blueprint Genetics
Classification: Likely benign. Last evaluated: 2024-11-21. Review status: criteria provided, single submitter. Criteria: ACMG Guidelines, 2015. Collection method: clinical testing. Allele origin: germline.

GeneDx
Classification: Benign. Last evaluated: 2020-09-15. Review status: criteria provided, single submitter. Criteria: GeneDx Variant Classification Process June 2021. Collection method: clinical testing. Allele origin: germline. Affected: yes.

Breakthrough Genomics
Classification: Likely benign. Review status: criteria provided, single submitter. Criteria: ACMG Guidelines, 2015. Collection method: not provided. Allele origin: germline. Inheritance: Autosomal dominant inheritance. Affected: yes.

PreventionGenetics, part of Exact Sciences
Classification: Likely benign for TRIO-related condition. Last evaluated: 2019-05-09. Review status: no assertion criteria provided. Collection method: clinical testing. Allele origin: germline. Not counted in ClinVar's aggregate classification.
Comment: This variant is classified as likely benign based on ACMG/AMP sequence variant interpretation guidelines (Richards et al. 2015 PMID: 25741868, with internal and published modifications).

NM_007118.4(TRIO):c.9174G>T (p.Thr3058=)

Gene: TRIO (trio Rho guanine nucleotide exchange factor; plus strand). Cytogenetic location: 5p15.2.
Variant type: single nucleotide variant.
Coding change: c.9174G>T on transcript NM_007118.4 (MANE Select); coding-DNA position 9174, G replaced by T.
Protein change: p.Thr3058=; no amino-acid change (threonine 3058 retained).
Molecular consequence: synonymous variant. On other transcripts: non-coding transcript variant (1).
Genome position (GRCh38, 1-based): chr5:14,508,302, G>T. VCF-style: chr5-14508302-G-T. GRCh37 (hg19) VCF-style: chr5-14508411-G-T.
Other names: c.9174G>T (NM_007118.3).
Identifiers: ClinVar variation 1176039 (VCV001176039.40), dbSNP rs138380178, ClinGen allele CA3208061.